The following is an entry in ClinVar:

NM_000038.6(APC):c.136-3456A>T

Gene: APC (APC regulator of WNT signaling pathway; plus strand). Cytogenetic location: 5q22.2.
Variant type: single nucleotide variant.
Coding change: c.136-3456A>T on transcript NM_000038.6 (MANE Select); 3456 bases into the intron before coding-DNA position 136, A replaced by T.
Molecular consequence: intron variant.
Genome position (GRCh38, 1-based): chr5:112,762,870, A>T. VCF-style: chr5-112762870-A-T. GRCh37 (hg19) VCF-style: chr5-112098567-A-T.
Other names: c.136-3456A>T (NM_001354895.2, NM_001127510.3, NM_001354896.2 and 2 more transcripts); c.166-3456A>T (NM_001354897.2, NM_001354902.2, NM_001127511.3); c.61-3456A>T (NM_001354898.2, NM_001354904.2); c.-900-3456A>T (NM_001354906.2); c.-42-3456A>T (NM_001354900.2, NM_001354901.2, NM_001354905.2).
Identifiers: ClinVar variation 82844 (VCV000082844.2), dbSNP rs74473355, ClinGen allele CA004719.
Genomic context (GRCh38, chr5:112,762,870, plus strand): 5'-TGTGTGTTGTGCCTCAATAAAACAGGAAAAAAATTACTTGAGGTCAGTTTTTATTGTGGA[A>T]TAGCCATAAACTGTTCACAGCAAACTAGTAAATAATGTAGGTCATATTGGATGGTATCAT-3'

ClinVar aggregate classification (germline): other (0 of 4 stars; one submission).

Conditions:
Familial colorectal cancer. Identifiers: MedGen CN280943, MONDO:0023113. Disease mechanism: loss of function.

Submission:

Systems Biology Platform Zhejiang California International NanoSystems Institute
Classification: other for Familial colorectal cancer. Review status: no assertion criteria provided. Collection method: not provided. Allele origin: unknown.
ClinVar note: Converted during submission from cancer to other.